The following is an entry in ClinVar:

ClinVar aggregate classification (germline): Uncertain significance (1 of 4 stars; one submission).

Submission:

GeneDx
Classification: Uncertain significance. Last evaluated: 2024-04-26. Review status: criteria provided, single submitter. Criteria: GeneDx Variant Classification Process June 2021. Collection method: clinical testing. Allele origin: germline. Affected: yes.
Comment: Not observed at significant frequency in large population cohorts (gnomAD); In silico analysis supports that this missense variant has a deleterious effect on protein structure/function; Has not been previously published as pathogenic or benign to our knowledge

NM_014491.4(FOXP2):c.1147G>A (p.Val383Met)

Gene: FOXP2 (forkhead box P2; plus strand). Cytogenetic location: 7q31.1.
Variant type: single nucleotide variant.
Coding change: c.1147G>A on transcript NM_014491.4 (MANE Select); coding-DNA position 1147, G replaced by A.
Protein change: p.Val383Met; replaces valine 383 with methionine.
Molecular consequence: missense variant. On other transcripts: non-coding transcript variant (2).
Genome position (GRCh38, 1-based): chr7:114,652,255, G>A. VCF-style: chr7-114652255-G-A. GRCh37 (hg19) VCF-style: chr7-114292310-G-A.
Other names: c.1144G>A, p.Val382Met (NM_001172766.3); c.1222G>A, p.Val408Met (NM_001172767.2, NM_148898.4); c.1147G>A, p.Val383Met (NM_148899.3); c.1198G>A, p.Val400Met (NM_148900.4); short protein forms V382M, V383M, V400M, V408M.
Identifiers: ClinVar variation 3373055 (VCV003373055.1).
Genomic context (GRCh38, chr7:114,652,255, plus strand): 5'-TTGTTTAGGCACCTTAACAATGAACACGCATTGGATGACCGAAGCACTGCTCAGTGTCGA[G>A]TGCAAATGCAGGTGGTGCAACAGTTAGAAATACAGGTTTGTTAAATGCTCACTTAATGGA-3'
Protein context (NP_055306.1, residues 373-393): LDDRSTAQCR[Val383Met]QMQVVQQLEI